The following is an entry in ClinVar:

ClinVar aggregate classification (germline): Uncertain significance (1 of 4 stars; one submission).

Conditions:
Hereditary cancer-predisposing syndrome. Also called: Tumor predisposition; Neoplastic Syndromes, Hereditary; Hereditary Cancer Syndrome; Hereditary neoplastic syndrome. Identifiers: Orphanet 140162, MedGen C0027672, MeSH D009386, MONDO:0015356.

Submission:

Ambry Genetics
Classification: Uncertain significance for Hereditary cancer-predisposing syndrome. Last evaluated: 2024-09-23. Review status: criteria provided, single submitter. Criteria: Ambry Variant Classification Scheme 2023. Collection method: clinical testing. Allele origin: germline.
Comment: The p.D1294E variant (also known as c.3882C>G), located in coding exon 20 of the BLM gene, results from a C to G substitution at nucleotide position 3882. The aspartic acid at codon 1294 is replaced by glutamic acid, an amino acid with highly similar properties. This amino acid position is conserved. In addition, this alteration is predicted to be tolerated by in silico analysis. Based on the available evidence, the clinical significance of this variant remains unclear.

NM_000057.4(BLM):c.3882C>G (p.Asp1294Glu)

Gene: BLM (BLM RecQ like helicase; plus strand). Cytogenetic location: 15q26.1.
Variant type: single nucleotide variant.
Coding change: c.3882C>G on transcript NM_000057.4 (MANE Select); coding-DNA position 3882, C replaced by G.
Protein change: p.Asp1294Glu; replaces aspartic acid 1294 with glutamic acid.
Molecular consequence: missense variant.
Genome position (GRCh38, 1-based): chr15:90,811,212, C>G. VCF-style: chr15-90811212-C-G. GRCh37 (hg19) VCF-style: chr15-91354442-C-G.
Other names: c.3882C>G, p.Asp1294Glu (NM_001287246.2); c.3489C>G, p.Asp1163Glu (NM_001287247.2); c.2757C>G, p.Asp919Glu (NM_001287248.2); short protein forms D1163E, D1294E, D919E.
Identifiers: ClinVar variation 3480862 (VCV003480862.1).
Genomic context (GRCh38, chr15:90,811,212, plus strand): 5'-ACACGTGGACCAGTGCGACATCACCTGTAAACATCTGCATTTTCCATTTGTAGCTGAAGA[C>G]AGTTCCCCAGGGATAAGCCTGTCCAGCAGCAGAGGCCCCGGAAGAAGTGCCGCTGAGGAG-3'
Protein context (NP_000048.1, residues 1284-1304): KYSEWTSPAE[Asp1294Glu]SSPGISLSSS